The following is an entry in ClinVar:

NM_182760.4(SUMF1):c.250_251del (p.Arg84fs)

Genes: SUMF1 (sulfatase modifying factor 1; minus strand), LOC129936056 (ATAC-STARR-seq lymphoblastoid silent region 14016; plus strand). Cytogenetic location: 3p26.1.
Variant type: Deletion.
Coding change: c.250_251del on transcript NM_182760.4 (MANE Select); coding-DNA positions 250 to 251, 2 bases deleted (CG; older notation c.250_251delCG).
Protein change: p.Arg84fs; shifts the reading frame from arginine 84.
Molecular consequence: frameshift variant.
Genome position (GRCh38, 1-based): chr3:4,466,995-4,466,996, CG deleted on the plus strand (CG on the coding strand, the reverse complement: SUMF1 is on the minus strand); deleting any 2 consecutive bases within chr3:4,466,995-4,466,997 gives the same sequence; the c. name uses the placement nearest the transcript's 3' end. VCF-style (leftmost placement, unchanged base first): chr3-4466994-CCG-C. GRCh37 (hg19) VCF-style: chr3-4508678-CCG-C.
Other names: c.250_251del, p.Arg84fs (NM_001164674.2, NM_001164675.2); short protein forms R84fs.
Identifiers: ClinVar variation 2759355 (VCV002759355.3), dbSNP rs2470078213, ClinGen allele CA2697550637.

ClinVar aggregate classification (germline): Pathogenic (1 of 4 stars; one submission).

Conditions:
Multiple sulfatase deficiency (MSD). Also called: Mucosulfatidosis; Multiple Sulfatase Deficiency Disease; Sulfatidosis, Juvenile, Austin Type. Identifiers: Orphanet 585, MedGen C0268263, MONDO:0010088, OMIM 272200.

Submission:

Labcorp Genetics (formerly Invitae), Labcorp
Classification: Pathogenic for Multiple sulfatase deficiency. Last evaluated: 2023-09-09. Review status: criteria provided, single submitter. Criteria: Invitae Variant Classification Sherloc (09022015). Collection method: clinical testing. Allele origin: germline.
Comment: For these reasons, this variant has been classified as Pathogenic. This variant has not been reported in the literature in individuals affected with SUMF1-related conditions. This variant is not present in population databases (gnomAD no frequency). This sequence change creates a premature translational stop signal (p.Arg84Alafs*21) in the SUMF1 gene. It is expected to result in an absent or disrupted protein product. Loss-of-function variants in SUMF1 are known to be pathogenic (PMID: 12757705, 12757706, 25885655).

Literature cited by the submitters: PubMed 12757705; PubMed 12757706; PubMed 25885655.